The following is an entry in ClinVar:

ClinVar aggregate classification (germline): Uncertain significance. Review status: criteria provided, multiple submitters, no conflicts (2 of 4 stars). 2 submissions from 2 submitters: Uncertain significance (2). Last evaluated 2021-09-09.

Conditions:
Melanoma, cutaneous malignant, susceptibility to, 5. Also called: Cutaneous malignant melanoma 5. Identifiers: Orphanet 618, MedGen C2751295, MONDO:0013133, OMIM 613099.

Allele frequency attached by ClinVar (database versions not stated): gnomAD 0.00001; gnomAD exomes 0.00001; TOPMed 0.00001.

Submissions (2):

Labcorp Genetics (formerly Invitae), Labcorp
Classification: Uncertain significance for Melanoma, cutaneous malignant, susceptibility to, 5. Last evaluated: 2021-09-09. Review status: criteria provided, single submitter. Criteria: Invitae Variant Classification Sherloc (09022015). Collection method: clinical testing. Allele origin: germline.
Comment: This missense change has been observed in individual(s) with cutaneous melanoma (PMID: 23360207). This variant is not present in population databases (ExAC no frequency). This sequence change replaces histidine with leucine at codon 260 of the MC1R protein (p.His260Leu). The histidine residue is highly conserved and there is a moderate physicochemical difference between histidine and leucine. ClinVar contains an entry for this variant (Variation ID: 887988). Algorithms developed to predict the effect of missense changes on protein structure and function (SIFT, PolyPhen-2, Align-GVGD) all suggest that this variant is likely to be disruptive. In summary, the available evidence is currently insufficient to determine the role of this variant in disease. Therefore, it has been classified as a Variant of Uncertain Significance.

Illumina Laboratory Services, Illumina
Classification: Uncertain significance for Melanoma, cutaneous malignant, susceptibility to, 5. Last evaluated: 2017-04-27. Review status: criteria provided, single submitter. Criteria: ICSL Variant Classification Criteria 13 December 2019. Collection method: clinical testing. Allele origin: germline.
Comment: This variant was observed as part of a predisposition screen in an ostensibly healthy population. A literature search was performed for the gene, cDNA change, and amino acid change (where applicable). Publications were found based on this search. However, the evidence from the literature, in combination with allele frequency data from public databases where available, was not sufficient to rule this variant in or out of causing disease. Therefore, this variant is classified as a variant of unknown significance.

Literature cited by the submitters: PubMed 23360207 (cited by Labcorp Genetics (formerly Invitae), Labcorp); PubMed 11487574 (cited by Illumina Laboratory Services, Illumina).

NM_002386.4(MC1R):c.779A>T (p.His260Leu)

Gene: MC1R (melanocortin 1 receptor; plus strand). Cytogenetic location: 16q24.3.
Variant type: single nucleotide variant.
Coding change: c.779A>T on transcript NM_002386.4 (MANE Select); coding-DNA position 779, A replaced by T.
Protein change: p.His260Leu; replaces histidine 260 with leucine.
Molecular consequence: missense variant.
Genome position (GRCh38, 1-based): chr16:89,920,037, A>T. VCF-style: chr16-89920037-A-T. GRCh37 (hg19) VCF-style: chr16-89986445-A-T.
Other names: short protein forms H260L.
Identifiers: ClinVar variation 887988 (VCV000887988.9), dbSNP rs763065230, ClinGen allele CA286607652.